The following is an entry in ClinVar:

ClinVar aggregate classification (germline): Pathogenic (1 of 4 stars; one submission).

Conditions:
Polycystic kidney disease, adult type (PKD1). Also called: POLYCYSTIC KIDNEY DISEASE 1 WITH OR WITHOUT POLYCYSTIC LIVER DISEASE; POLYCYSTIC KIDNEY DISEASE, ADULT, TYPE I; Polycystic Kidney, Autosomal Dominant; Polycystic Kidney Disease 1, Autosomal Dominant; Polycystic kidney disease 1; Polycystic kidney disease 1, severe. Identifiers: MedGen C3149841, MONDO:0008263, OMIM 173900.

Submission:

ARUP Laboratories, Molecular Genetics and Genomics, ARUP Laboratories
Classification: Pathogenic for Polycystic kidney disease, adult type. Last evaluated: 2019-01-06. Review status: criteria provided, single submitter. Criteria: ARUP Molecular Germline Variant Investigation Process. Collection method: clinical testing. Allele origin: germline.
Comment: The PKD1 c.3792C>A; p.Tyr1264Ter variant, to our knowledge, is not reported in the medical literature but is reported in the ADPKD mutation database (see link). This variant is absent from general population databases (1000 Genomes Project, Exome Variant Server, and Genome Aggregation Database), indicating it is not a common polymorphism. This variant induces an early termination codon and is predicted to result in a truncated protein or mRNA subject to nonsense-mediated decay. Based on available information, the p.Tyr1264Ter variant is considered to be pathogenic. References: Link to ADPKD mutation database

NM_001009944.3(PKD1):c.3792C>A (p.Tyr1264Ter)

Gene: PKD1 (polycystin 1, transient receptor potential channel interacting; minus strand). Cytogenetic location: 16p13.3.
Variant type: single nucleotide variant.
Coding change: c.3792C>A on transcript NM_001009944.3 (MANE Select); coding-DNA position 3792, C replaced by A.
Protein change: p.Tyr1264Ter; replaces tyrosine 1264 with a stop codon.
Molecular consequence: nonsense.
Genome position (GRCh38, 1-based): chr16:2,111,375, G>T on the plus strand (C>A on the coding strand, the complement: PKD1 is on the minus strand). VCF-style: chr16-2111375-G-T. GRCh37 (hg19) VCF-style: chr16-2161376-G-T.
Other names: c.3792C>A, p.Tyr1264Ter (NM_000296.4); short protein forms Y1264*.
Identifiers: ClinVar variation 811875 (VCV000811875.8), dbSNP rs145263744, ClinGen allele CA394382226.